The following is an entry in ClinVar:

Conditions:
Breast-ovarian cancer, familial, susceptibility to, 1 (BROVCA1). Also called: BRCA1 Hereditary Breast and Ovarian Cancer; OVARIAN CANCER, SUSCEPTIBILITY TO. Identifiers: Orphanet 145, MedGen C2676676, MONDO:0011450, OMIM 604370. Disease mechanism: loss of function.

Submission:

Brotman Baty Institute, University of Washington
No classification provided (evidence only). Condition: Breast-ovarian cancer, familial 1. Review status: no classification provided. Collection method: in vitro. Allele origin: not applicable. Functional consequence: functionally_normal.
ClinVar note: "not provided" was previously submitted as the classification for the variant. However, the classification appeared to be based only on an observation of functional data so it was converted to no classification on 2025-07-30.

NM_007294.4(BRCA1):c.294T>G (p.Gly98=)

Gene: BRCA1 (BRCA1 DNA repair associated; minus strand). Cytogenetic location: 17q21.31.
Variant type: single nucleotide variant.
Coding change: c.294T>G on transcript NM_007294.4 (MANE Select); coding-DNA position 294, T replaced by G.
Protein change: p.Gly98=; no amino-acid change (glycine 98 retained).
Molecular consequence: synonymous variant. On other transcripts: 5 prime UTR variant (7), intron variant (2), splice donor variant (3).
Genome position (GRCh38, 1-based): chr17:43,104,875, A>C on the plus strand (T>G on the coding strand, the complement: BRCA1 is on the minus strand). VCF-style: chr17-43104875-A-C. GRCh37 (hg19) VCF-style: chr17-41256892-A-C.
Other names: c.153T>G, p.Gly51= (NM_001408453.1, NM_001408454.1, NM_001408455.1 and 99 more transcripts); c.294T>G, p.Gly98= (NM_001408472.1, NM_007298.4, NM_007299.4 and 165 more transcripts); c.84T>G, p.Gly28= (NM_001408502.1, NM_001408506.1, NM_001408507.1 and 58 more transcripts); c.-88T>G (NM_001408510.1, NM_001408512.1, NM_001407959.1 and 4 more transcripts); c.-218-10015T>G (NM_001407967.1, NM_001407966.1); c.292+2T>G (NM_001408408.1, NM_001407647.1, NM_001407646.1); c.162T>G, p.Gly54= (NM_001408451.1); c.216T>G, p.Gly72= (NM_001408474.1, NM_001408475.1, NM_001408476.1 and 21 more transcripts).
Identifiers: ClinVar variation 868363 (VCV000868363.3), dbSNP rs2054671376, ClinGen allele CA500127449.